The following is an entry in ClinVar:

NM_006231.4(POLE):c.910-5G>A

Gene: POLE (DNA polymerase epsilon, catalytic subunit; minus strand). Cytogenetic location: 12q24.33.
Variant type: single nucleotide variant.
Coding change: c.910-5G>A on transcript NM_006231.4 (MANE Select); 5 bases into the intron before coding-DNA position 910, G replaced by A.
Molecular consequence: intron variant.
Genome position (GRCh38, 1-based): chr12:132,676,209, C>T on the plus strand (G>A on the coding strand, the complement: POLE is on the minus strand). VCF-style: chr12-132676209-C-T. GRCh37 (hg19) VCF-style: chr12-133252795-C-T.
Identifiers: ClinVar variation 801273 (VCV000801273.20), dbSNP rs750101293, ClinGen allele CA6894138.

ClinVar aggregate classification (germline): Conflicting classifications of pathogenicity. Review status: criteria provided, conflicting classifications (1 of 4 stars). 7 submissions from 7 submitters: Uncertain significance (2); Likely benign (5). Last evaluated 2026-01-07.

Conditions:
Hereditary cancer-predisposing syndrome. Also called: Tumor predisposition; Neoplastic Syndromes, Hereditary; Hereditary neoplastic syndrome; Hereditary Cancer Syndrome. Identifiers: Orphanet 140162, MedGen C0027672, MeSH D009386, MONDO:0015356.
Colorectal cancer, susceptibility to, 12 (CRCS12). Also called: COLORECTAL CANCER, SUSCEPTIBILITY TO, ON CHROMOSOME 12q24. Identifiers: Orphanet 220460, MedGen C3554460, MONDO:0014038, OMIM 615083.

Allele frequency attached by ClinVar (database versions not stated): gnomAD exomes 0.00001 and 0.00002; TOPMed 0.00002; ExAC 0.00004.

Submissions (7):

Ambry Genetics
Classification: Uncertain significance for Hereditary cancer-predisposing syndrome. Last evaluated: 2026-01-07. Review status: criteria provided, single submitter. Criteria: Ambry Variant Classification Scheme 2023. Collection method: clinical testing. Allele origin: germline.
Comment: The c.910-5G>A intronic variant results from a G to A substitution 5 nucleotides upstream from coding exon 10 in the POLE gene. This nucleotide position is poorly conserved in available vertebrate species. In silico splice site analysis predicts that this alteration may result in the creation or strengthening of a novel splice acceptor site. Based on the available evidence, the clinical significance of this variant remains unclear.

Center for Genomic Medicine, Rigshospitalet, Copenhagen University Hospital
Classification: Likely benign. Last evaluated: 2025-03-04. Review status: criteria provided, single submitter. Criteria: ACMG Guidelines, 2015. Collection method: clinical testing. Allele origin: germline.

Myriad Genetics, Inc.
Classification: Likely benign for Colorectal cancer, susceptibility to, 12. Last evaluated: 2025-02-07. Review status: criteria provided, single submitter. Criteria: Myriad Autosomal Dominant, Autosomal Recessive and X-Linked Classification Criteria (2023). Collection method: clinical testing. Allele origin: unknown.
Comment: This variant is considered likely benign. This variant is intronic and is not expected to impact mRNA splicing.

Blueprint Genetics
Classification: Likely benign. Last evaluated: 2022-12-27. Review status: criteria provided, single submitter. Criteria: ACMG Guidelines, 2015. Collection method: clinical testing. Allele origin: germline.

GeneDx
Classification: Uncertain significance. Last evaluated: 2021-03-26. Review status: criteria provided, single submitter. Criteria: GeneDx Variant Classification Process June 2021. Collection method: clinical testing. Allele origin: germline. Affected: yes.
Comment: Has not been previously published as pathogenic or benign to our knowledge; In-silico analysis is inconclusive as to whether the variant alters gene splicing. In the absence of RNA/functional studies, the actual effect of this sequence change is unknown

Sema4
Classification: Likely benign for Hereditary cancer-predisposing syndrome. Last evaluated: 2020-10-09. Review status: criteria provided, single submitter. Criteria: Sema4 Curation Guidelines. Collection method: curation. Allele origin: germline.

Quest Diagnostics Nichols Institute San Juan Capistrano
Classification: Likely benign. Last evaluated: 2019-01-17. Review status: criteria provided, single submitter. Criteria: Quest Diagnostics criteria. Collection method: clinical testing. Allele origin: germline.